The following is an entry in ClinVar:

NM_002905.5(RDH5):c.778G>A (p.Asp260Asn)

Genes: CD63 (CD63 molecule; minus strand), BLOC1S1-RDH5 (BLOC1S1-RDH5 readthrough; plus strand), RDH5 (retinol dehydrogenase 5; plus strand). Cytogenetic location: 12q13.2.
Variant type: single nucleotide variant.
Coding change: c.778G>A on transcript NM_002905.5 (MANE Select); coding-DNA position 778, G replaced by A.
Protein change: p.Asp260Asn; replaces aspartic acid 260 with asparagine.
Molecular consequence: missense variant. On other transcripts: non-coding transcript variant (1).
Genome position (GRCh38, 1-based): chr12:55,724,366, G>A. VCF-style: chr12-55724366-G-A. GRCh37 (hg19) VCF-style: chr12-56118150-G-A.
Other names: c.778G>A, p.Asp260Asn (NM_001199771.3); short protein forms D260N.
Identifiers: ClinVar variation 1043711 (VCV001043711.9), dbSNP rs1877095781, ClinGen allele CA385203139.

ClinVar aggregate classification (germline): Uncertain significance (1 of 4 stars; one submission).

Allele frequency attached by ClinVar (database versions not stated): gnomAD exomes 0.00001.
gnomAD v4.1: 14 of 1,614,200 alleles (0.00087%); highest among the groups gnomAD compares: Non-Finnish European, 0.0011%; no homozygotes.

Submission:

Labcorp Genetics (formerly Invitae), Labcorp
Classification: Uncertain significance. Last evaluated: 2020-03-05. Review status: criteria provided, single submitter. Criteria: Invitae Variant Classification Sherloc (09022015). Collection method: clinical testing. Allele origin: germline.
Comment: In summary, the available evidence is currently insufficient to determine the role of this variant in disease. Therefore, it has been classified as a Variant of Uncertain Significance. Algorithms developed to predict the effect of missense changes on protein structure and function (SIFT, PolyPhen-2, Align-GVGD) all suggest that this variant is likely to be tolerated, but these predictions have not been confirmed by published functional studies and their clinical significance is uncertain. This variant has not been reported in the literature in individuals with RDH5-related conditions. This variant is not present in population databases (ExAC no frequency). This sequence change replaces aspartic acid with asparagine at codon 260 of the RDH5 protein (p.Asp260Asn). The aspartic acid residue is moderately conserved and there is a small physicochemical difference between aspartic acid and asparagine.